The following is an entry in ClinVar:

NM_000053.4(ATP7B):c.213A>G (p.Ser71=)

Gene: ATP7B (ATPase copper transporting beta; minus strand). Cytogenetic location: 13q14.3.
Variant type: single nucleotide variant.
Coding change: c.213A>G on transcript NM_000053.4 (MANE Select); coding-DNA position 213, A replaced by G.
Protein change: p.Ser71=; no amino-acid change (serine 71 retained).
Molecular consequence: synonymous variant.
Genome position (GRCh38, 1-based): chr13:51,975,007, T>C on the plus strand (A>G on the coding strand, the complement: ATP7B is on the minus strand). VCF-style: chr13-51975007-T-C. GRCh37 (hg19) VCF-style: chr13-52549143-T-C.
Other names: c.213A>G, p.Ser71= (NM_001005918.3, NM_001243182.2, NM_001330578.2 and 1 more transcripts).
Identifiers: ClinVar variation 1044235 (VCV001044235.9), dbSNP rs1952036108, ClinGen allele CA484025115.
Genomic context (GRCh38, chr13:51,975,007, plus strand): 5'-AACCTTCATGCTGATGATGCCTTTCAAATTGGAAATCCTGTCCTCAATGGACTTCACACA[T>C]GACTGGCAAGTCATGCCCAAGATCCTGACTGTGCTGGTGGCCACCTGAGAAGAAGGGCCC-3'
Protein context (NP_000044.2, residues 61-81): TVRILGMTCQ[Ser71=]CVKSIEDRIS

ClinVar aggregate classification (germline): Conflicting classifications of pathogenicity. Review status: criteria provided, conflicting classifications (1 of 4 stars). 2 submissions from 2 submitters: Uncertain significance (1); Likely benign (1). Last evaluated 2025-08-15.

Conditions:
Wilson disease (WND). Also called: Wilson's disease. Identifiers: Orphanet 905, MedGen C0019202, MONDO:0010200, OMIM 277900. Disease mechanism: loss of function.

gnomAD v4.1: 1 of 1,614,092 alleles (0.000062%); highest among the groups gnomAD compares: Admixed American, 0.0017%; no homozygotes.

Submissions (2):

Labcorp Genetics (formerly Invitae), Labcorp
Classification: Likely benign for Wilson disease. Last evaluated: 2025-08-15. Review status: criteria provided, single submitter. Criteria: Invitae Variant Classification Sherloc (09022015). Collection method: clinical testing. Allele origin: germline.

All of Us Research Program, National Institutes of Health
Classification: Uncertain significance for Wilson disease. Last evaluated: 2023-04-03. Review status: criteria provided, single submitter. Criteria: ACMG Guidelines, 2015. Collection method: clinical testing. Allele origin: germline. Inheritance: Autosomal recessive inheritance. Observed: 1 variant allele, 1 heterozygote.
Comment: This variant is located in the ATP7B protein. To our knowledge, functional studies have not been reported for this variant. This variant has not been reported in individuals affected with ATP7B-related disorders in the literature. This variant has not been identified in the general population by the Genome Aggregation Database (gnomAD). The available evidence is insufficient to determine the role of this variant in disease conclusively. Therefore, this variant is classified as a Variant of Uncertain Significance.

This study involves interpretation of variants in research participants for the purpose of population health screening. Participant phenotype was not available at the time of variant classification. Additional details can be found in publication PMID: 35346344, PMCID: PMC8962531